The following is an entry in ClinVar:

NM_000161.3(GCH1):c.*1230C>T

Gene: GCH1 (GTP cyclohydrolase 1; minus strand). Cytogenetic location: 14q22.2.
Variant type: single nucleotide variant.
Coding change: c.*1230C>T on transcript NM_000161.3 (MANE Select); 1230 bases downstream of the stop codon, C replaced by T.
Molecular consequence: 3 prime UTR variant.
Genome position (GRCh38, 1-based): chr14:54,842,787, G>A on the plus strand (C>T on the coding strand, the complement: GCH1 is on the minus strand). VCF-style: chr14-54842787-G-A. GRCh37 (hg19) VCF-style: chr14-55309505-G-A.
Other names: c.*284C>T (NM_001024024.2); c.*280C>T (NM_001024070.2); c.*252C>T (NM_001024071.2).
Identifiers: ClinVar variation 313367 (VCV000313367.8), dbSNP rs56130647, ClinGen allele CA10634960.
Genomic context (GRCh38, chr14:54,842,787, plus strand): 5'-ATAACTGTGTTTGTGTTTCTGTGGAGGAGTTGCGGTTTTGTTTGTTTTAATTTGGCCCAC[G>A]CTGCCCCAATGGAGGAAATTTTAAGATAATCATTAATAAGGCAACAGCTTCCAGGATTAA-3'

ClinVar aggregate classification (germline): Benign. Review status: criteria provided, multiple submitters, no conflicts (2 of 4 stars). 4 submissions from 3 submitters: Benign (4). Last evaluated 2018-08-30.

Conditions:
GTP cyclohydrolase I deficiency. Identifiers: MedGen C0268467, MONDO:0100184.
Dystonia 5 (DRD). Also called: DYSTONIA, PROGRESSIVE, WITH DIURNAL VARIATION; DYSTONIA-PARKINSONISM WITH DIURNAL FLUCTUATION; Dystonia, DOPA-responsive, with or without hyperphenylalaninemia; GTP Cyclohydrolase 1-Deficient Dopa-Responsive Dystonia; DYT-GCH1. Identifiers: Orphanet 98808, MedGen C1851920, MONDO:0007495, OMIM 128230.

Allele frequency attached by ClinVar (database versions not stated): 1000 Genomes Project 0.03375; 1000 Genomes Project 30x 0.03467; TOPMed 0.06289; gnomAD 0.07265 and 0.07553.

Submissions (4):

GeneDx
Classification: Benign. Last evaluated: 2018-08-30. Review status: criteria provided, single submitter. Criteria: GeneDx Variant Classification Process June 2021. Collection method: clinical testing. Allele origin: germline. Affected: yes.

Illumina Laboratory Services, Illumina
Classification: Benign for Dystonia 5. Last evaluated: 2018-01-13. Review status: criteria provided, single submitter. Criteria: ICSL Variant Classification Criteria 13 December 2019. Collection method: clinical testing. Allele origin: germline.
Comment: This variant was observed in the ICSL laboratory as part of a predisposition screen in an ostensibly healthy population. It had not been previously curated by ICSL or reported in the Human Gene Mutation Database (HGMD: prior to June 1st, 2018), and was therefore a candidate for classification through an automated scoring system. Utilizing variant allele frequency, disease prevalence and penetrance estimates, and inheritance mode, an automated score was calculated to assess if this variant is too frequent to cause the disease. Based on the score and internal cut-off values, a variant classified as benign is not then subjected to further curation. The score for this variant resulted in a classification of benign for this disease.

Illumina Laboratory Services, Illumina
Classification: Benign for GTP cyclohydrolase I deficiency with hyperphenylalaninemia. Last evaluated: 2018-01-13. Review status: criteria provided, single submitter. Criteria: ICSL Variant Classification Criteria 13 December 2019. Collection method: clinical testing. Allele origin: germline.
Comment: the same text as in the submission from Illumina Laboratory Services, Illumina above.

Breakthrough Genomics
Classification: Benign. Review status: criteria provided, single submitter. Criteria: ACMG Guidelines, 2015. Collection method: not provided. Allele origin: germline. Inheritance: Autosomal recessive inheritance. Affected: yes.